The following is an entry in ClinVar:

NM_017999.5(RNF31):c.382C>G (p.Gln128Glu)

Gene: RNF31 (ring finger protein 31; plus strand). Cytogenetic location: 14q12.
Variant type: single nucleotide variant.
Coding change: c.382C>G on transcript NM_017999.5 (MANE Select); coding-DNA position 382, C replaced by G.
Protein change: p.Gln128Glu; replaces glutamine 128 with glutamic acid.
Molecular consequence: missense variant. On other transcripts: 5 prime UTR variant (1).
Genome position (GRCh38, 1-based): chr14:24,148,300, C>G. VCF-style: chr14-24148300-C-G. GRCh37 (hg19) VCF-style: chr14-24617509-C-G.
Other names: c.-136C>G (NM_001310332.2); short protein forms Q128E.
Identifiers: ClinVar variation 3608382 (VCV003608382.2).

ClinVar aggregate classification (germline): Uncertain significance (1 of 4 stars; one submission).

gnomAD v4.1: 5 of 1,614,090 alleles (0.00031%); highest among the groups gnomAD compares: African/African-American, 0.004%; no homozygotes.

Submission:

Labcorp Genetics (formerly Invitae), Labcorp
Classification: Uncertain significance. Last evaluated: 2025-10-02. Review status: criteria provided, single submitter. Criteria: Invitae Variant Classification Sherloc (09022015). Collection method: clinical testing. Allele origin: germline.
Comment: This sequence change replaces glutamine, which is neutral and polar, with glutamic acid, which is acidic and polar, at codon 128 of the RNF31 protein (p.Gln128Glu). This variant is present in population databases (no rsID available, gnomAD 0.004%). This variant has not been reported in the literature in individuals affected with RNF31-related conditions. ClinVar contains an entry for this variant (Variation ID: 3608382). An algorithm developed to predict the effect of missense changes on protein structure and function (PolyPhen-2) suggests that this variant is likely to be tolerated. In summary, the available evidence is currently insufficient to determine the role of this variant in disease. Therefore, it has been classified as a Variant of Uncertain Significance.